The following is an entry in ClinVar:

ClinVar aggregate classification (germline): Uncertain significance (0 of 4 stars; one submission).

Conditions:
AFF4-related disorder. Also called: AFF4-related condition.

gnomAD v4.1: 1 of 1,613,768 alleles (0.000062%); highest among the groups gnomAD compares: South Asian, 0.0011%; no homozygotes.

Submission:

PreventionGenetics, part of Exact Sciences
Classification: Uncertain significance for AFF4-related condition. Last evaluated: 2024-05-10. Review status: no assertion criteria provided. Collection method: clinical testing. Allele origin: germline.
Comment: The AFF4 c.2954A>G variant is predicted to result in the amino acid substitution p.Asn985Ser. To our knowledge, this variant has not been reported in the literature or in a large population database, indicating this variant is rare. At this time, the clinical significance of this variant is uncertain due to the absence of conclusive functional and genetic evidence.

NM_014423.4(AFF4):c.2954A>G (p.Asn985Ser)

Gene: AFF4 (ALF transcription elongation factor 4; minus strand). Cytogenetic location: 5q31.1.
Variant type: single nucleotide variant.
Coding change: c.2954A>G on transcript NM_014423.4 (MANE Select); coding-DNA position 2954, A replaced by G.
Protein change: p.Asn985Ser; replaces asparagine 985 with serine.
Molecular consequence: missense variant.
Genome position (GRCh38, 1-based): chr5:132,887,572, T>C on the plus strand (A>G on the coding strand, the complement: AFF4 is on the minus strand). VCF-style: chr5-132887572-T-C. GRCh37 (hg19) VCF-style: chr5-132223264-T-C.
Other names: short protein forms N985S.
Identifiers: ClinVar variation 3345706 (VCV003345706.1).